The following is an entry in ClinVar:

ClinVar aggregate classification (germline): Likely benign (0 of 4 stars; one submission).

Conditions:
H19-related disorder. Also called: H19-related condition.

Submission:

PreventionGenetics, part of Exact Sciences
Classification: Likely benign for H19-related condition. Last evaluated: 2024-05-30. Review status: no assertion criteria provided. Collection method: clinical testing. Allele origin: germline.
Comment: This variant is classified as likely benign based on ACMG/AMP sequence variant interpretation guidelines (Richards et al. 2015 PMID: 25741868, with internal and published modifications).

NC_000011.10:g.2000378C>A

Genes: H19 (H19 imprinted maternally expressed transcript; minus strand), H19-ICR (H19/IGF2 imprinting control region; plus strand), MRPL23 (mitochondrial ribosomal protein L23; plus strand). Cytogenetic location: 11p15.5.
Variant type: single nucleotide variant.
Molecular consequence: intron variant (on NM_001400176.1).
Genome position: GRCh38 VCF-style: chr11-2000378-C-A. GRCh37 (hg19) VCF-style: chr11-2021608-C-A.
Other names: c.498-11163C>A (NM_001400176.1).
Identifiers: ClinVar variation 3356562 (VCV003356562.1).
Genomic context (GRCh38, chr11:2,000,378, plus strand): 5'-TTTCCACGGGCGAACCCCAGCTGGGGCGGGCTCAGGCTGTGATGTGTGAGCCTGCACTGC[C>A]GCCGCGCAGCCACCTCCGATTCCACAACTACAACCAATTCTGTGCCATCCGGGCGGTGAG-3'